The following is an entry in ClinVar:

NM_182641.4(BPTF):c.5929A>G (p.Thr1977Ala)

Gene: BPTF (bromodomain PHD finger transcription factor; plus strand). Cytogenetic location: 17q24.2.
Variant type: single nucleotide variant.
Coding change: c.5929A>G on transcript NM_182641.4 (MANE Select); coding-DNA position 5929, A replaced by G.
Protein change: p.Thr1977Ala; replaces threonine 1977 with alanine.
Molecular consequence: missense variant.
Genome position (GRCh38, 1-based): chr17:67,928,532, A>G. VCF-style: chr17-67928532-A-G. GRCh37 (hg19) VCF-style: chr17-65924648-A-G.
Other names: c.6307A>G, p.Thr2103Ala (NM_004459.7); short protein forms T1977A, T2103A.
Identifiers: ClinVar variation 3600886 (VCV003600886.1).

ClinVar aggregate classification (germline): Uncertain significance (1 of 4 stars; one submission).

gnomAD v4.1: 1 of 1,614,224 alleles (0.000062%); highest among the groups gnomAD compares: Non-Finnish European, 0.000085%; no homozygotes.

Submission:

GeneDx
Classification: Uncertain significance. Last evaluated: 2024-07-23. Review status: criteria provided, single submitter. Criteria: GeneDx Variant Classification Process June 2021. Collection method: clinical testing. Allele origin: germline. Affected: yes.
Comment: Not observed at significant frequency in large population cohorts (gnomAD); In silico analysis supports that this missense variant has a deleterious effect on protein structure/function; Has not been previously published as pathogenic or benign to our knowledge